The following is an entry in ClinVar:

NM_000145.4(FSHR):c.1633A>G (p.Ile545Val)

Gene: FSHR (follicle stimulating hormone receptor; minus strand). Cytogenetic location: 2p16.3.
Variant type: single nucleotide variant.
Coding change: c.1633A>G on transcript NM_000145.4 (MANE Select); coding-DNA position 1633, A replaced by G.
Protein change: p.Ile545Val; replaces isoleucine 545 with valine.
Molecular consequence: missense variant.
Genome position (GRCh38, 1-based): chr2:48,963,188, T>C on the plus strand (A>G on the coding strand, the complement: FSHR is on the minus strand). VCF-style: chr2-48963188-T-C. GRCh37 (hg19) VCF-style: chr2-49190327-T-C.
Other names: c.1555A>G, p.Ile519Val (NM_181446.3); short protein forms I519V, I545V.
Identifiers: ClinVar variation 4531865 (VCV004531865.1).

ClinVar aggregate classification (germline): Likely benign (1 of 4 stars; one submission).

Conditions:
Ovarian hyperstimulation syndrome (OHSS). Also called: OVARIAN HYPERSTIMULATION SYNDROME, FAMILIAL GESTATIONAL SPONTANEOUS. Identifiers: Orphanet 64739, MedGen C0085083, MONDO:0011972, OMIM 608115.

gnomAD v4.1: 18 of 1,614,126 alleles (0.0011%); highest among the groups gnomAD compares: Non-Finnish European, 0.0015%; no homozygotes.

Submission:

Victorian Clinical Genetics Services, Murdoch Childrens Research Institute
Classification: Likely benign for Ovarian hyperstimulation syndrome. Last evaluated: 2025-04-29. Review status: criteria provided, single submitter. Criteria: ACMG Guidelines, 2015. Collection method: clinical testing. Allele origin: germline. Affected: yes.
Comment: This variant is classified as Likely benign. Evidence in support of pathogenic classification: Variant is present in gnomAD <0.01 (v4: 18 heterozygote(s), 0 homozygote(s)) . Evidence in support of benign classification: This variant has moderate functional evidence supporting normal protein function. Functional in vitro studies performed on our variant showed no constitutive activation compared to wild-type FSHR (PMID: 16278261); Missense variant predicted to be tolerated by in silico tool(s) or not conserved in placental mammals with a minor amino acid change. Additional information: Variant is predicted to result in a missense amino acid change from isoleucine to valine; This variant is heterozygous; This gene is associated with both recessive and dominant disease. Biallelic variants are associated with ovarian dysgenesis 1 (MIM#233300), whereas monoallelic variants are associated with ovarian hyperstimulation syndrome (MIM#608115); Alternative amino acid change(s) at the same position are present in gnomAD (Highest allele count: v4: 3 heterozygote(s), 0 homozygote(s)); This variant has no previous evidence of pathogenicity; No published segregation evidence has been identified for this variant; No comparable missense variants have previous evidence for pathogenicity; Variant is located in the annotated 7 transmembrane receptor domain (DECIPHER); Loss of function and gain of function are known mechanisms of disease in this gene and are associated with ovarian dysgenesis 1 (MIM#233300) and ovarian hyperstimulation syndrome (MIM#608115), respectively (PMIDs: 16278261, 12930927); Variants in this gene are known to have variable expressivity. Males with biallelic variants have variable degrees of spermatogenic failure (OMIM).

Literature cited by the submitters: PubMed 12930927; PubMed 16278261.